The following is an entry in ClinVar:

ClinVar aggregate classification (germline): Uncertain significance (1 of 4 stars; one submission).

Conditions:
TTN-related disorder. Also called: TTN-related disorders; TTN-related condition; TTN-related disease.

Submission:

PreventionGenetics, part of Exact Sciences
Classification: Uncertain significance for TTN-related condition. Last evaluated: 2026-03-20. Review status: criteria provided, single submitter. Criteria: ACMG Guidelines, 2015. Collection method: clinical testing. Allele origin: germline.
Comment: The TTN c.104024G>T variant is predicted to result in the amino acid substitution p.Arg34675Ile. To our knowledge, this variant has not been reported in the literature. This variant is reported in 0.050% of alleles in individuals of Ashkenazi Jewish descent in gnomAD. At this time, the clinical significance of this variant is uncertain due to the absence of conclusive functional and genetic evidence.

NM_001267550.2(TTN):c.104024G>T (p.Arg34675Ile)

Genes: TTN (titin; minus strand), TTN-AS1 (TTN antisense RNA 1; plus strand). Cytogenetic location: 2q31.2.
Variant type: single nucleotide variant.
Coding change: c.104024G>T on transcript NM_001267550.2 (MANE Select); coding-DNA position 104024, G replaced by T.
Protein change: p.Arg34675Ile; replaces arginine 34675 with isoleucine.
Molecular consequence: missense variant.
Genome position (GRCh38, 1-based): chr2:178,532,591, C>A on the plus strand (G>T on the coding strand, the complement: TTN is on the minus strand). VCF-style: chr2-178532591-C-A. GRCh37 (hg19) VCF-style: chr2-179397318-C-A.
Other names: c.99101G>T, p.Arg33034Ile (NM_001256850.1); c.76829G>T, p.Arg25610Ile (NM_003319.4); c.96320G>T, p.Arg32107Ile (NM_133378.4); c.77204G>T, p.Arg25735Ile (NM_133432.3); c.77405G>T, p.Arg25802Ile (NM_133437.4); short protein forms R25610I, R25735I, R32107I, R33034I, R25802I, R34675I.
Identifiers: ClinVar variation 4989036 (VCV004989036.1).
Genomic context (GRCh38, chr2:178,532,591, plus strand): 5'-GGTGAAGCTGAAAAACCTAACTCAAGCTCTTCTTCAAGACGCAGCCTCTCTTCCTCTGTT[C>A]TTTTCATTGCTAAGTAGTCATCAATGGGGAGGAGTAATTCTTCATCAGAGATGTCCCCAA-3'
Protein context (NP_001254479.2, residues 34665-34685): LPIDDYLAMK[Arg34675Ile]TEEERLRLEE